The following is an entry in ClinVar:

ClinVar aggregate classification (germline): Uncertain significance. Review status: criteria provided, multiple submitters, no conflicts (2 of 4 stars). 2 submissions from 2 submitters: Uncertain significance (2). Last evaluated 2024-02-20.

Allele frequency attached by ClinVar (database versions not stated): gnomAD exomes below 0.00001; ExAC 0.00001; gnomAD 0.00001.
gnomAD v4.1: 3 of 1,605,320 alleles (0.00019%); highest among the groups gnomAD compares: African/African-American, 0.0014%; no homozygotes.

Submissions (2):

Ambry Genetics
Classification: Uncertain significance. Last evaluated: 2024-02-20. Review status: criteria provided, single submitter. Criteria: Ambry Variant Classification Scheme 2023. Collection method: clinical testing. Allele origin: germline.
Comment: The p.F623L variant (also known as c.1869C>G), located in coding exon 14 of the RECQL gene, results from a C to G substitution at nucleotide position 1869. The phenylalanine at codon 623 is replaced by leucine, an amino acid with highly similar properties. This amino acid position is conserved. In addition, this alteration is predicted to be tolerated by in silico analysis. Since supporting evidence is limited at this time, the clinical significance of this alteration remains unclear.

Labcorp Genetics (formerly Invitae), Labcorp
Classification: Uncertain significance. Last evaluated: 2022-03-26. Review status: criteria provided, single submitter. Criteria: Invitae Variant Classification Sherloc (09022015). Collection method: clinical testing. Allele origin: germline.
Comment: Algorithms developed to predict the effect of missense changes on protein structure and function (SIFT, PolyPhen-2, Align-GVGD) all suggest that this variant is likely to be tolerated. This variant has not been reported in the literature in individuals affected with RECQL-related conditions. This variant is present in population databases (rs776400641, gnomAD 0.0009%). This sequence change replaces phenylalanine, which is neutral and non-polar, with leucine, which is neutral and non-polar, at codon 623 of the RECQL protein (p.Phe623Leu). In summary, the available evidence is currently insufficient to determine the role of this variant in disease. Therefore, it has been classified as a Variant of Uncertain Significance.

NM_002907.4(RECQL):c.1869C>G (p.Phe623Leu)

Genes: PYROXD1 (pyridine nucleotide-disulphide oxidoreductase domain 1; plus strand), RECQL (RecQ like helicase; minus strand). Cytogenetic location: 12p12.1.
Variant type: single nucleotide variant.
Coding change: c.1869C>G on transcript NM_002907.4 (MANE Select); coding-DNA position 1869, C replaced by G.
Protein change: p.Phe623Leu; replaces phenylalanine 623 with leucine.
Molecular consequence: missense variant. On other transcripts: 3 prime UTR variant (3).
Genome position (GRCh38, 1-based): chr12:21,470,275, G>C on the plus strand (C>G on the coding strand, the complement: RECQL is on the minus strand). VCF-style: chr12-21470275-G-C. GRCh37 (hg19) VCF-style: chr12-21623209-G-C.
Other names: c.1869C>G, p.Phe623Leu (NM_032941.3); c.*1521G>C (NM_001350912.2, NM_001350913.2, NM_024854.5); short protein forms F623L.
Identifiers: ClinVar variation 1352958 (VCV001352958.10), dbSNP rs776400641, ClinGen allele CA6478596.